The following is an entry in ClinVar:

NM_024408.4(NOTCH2):c.3250G>C (p.Glu1084Gln)

Gene: NOTCH2 (notch receptor 2; minus strand). Cytogenetic location: 1p12.
Variant type: single nucleotide variant.
Coding change: c.3250G>C on transcript NM_024408.4 (MANE Select); coding-DNA position 3250, G replaced by C.
Protein change: p.Glu1084Gln; replaces glutamic acid 1084 with glutamine.
Molecular consequence: missense variant.
Genome position (GRCh38, 1-based): chr1:119,937,944, C>G on the plus strand (G>C on the coding strand, the complement: NOTCH2 is on the minus strand). VCF-style: chr1-119937944-C-G. GRCh37 (hg19) VCF-style: chr1-120480567-C-G.
Other names: c.3250G>C, p.Glu1084Gln (NM_001200001.2); short protein forms E1084Q.
Identifiers: ClinVar variation 3667435 (VCV003667435.2).

ClinVar aggregate classification (germline): Uncertain significance (1 of 4 stars; one submission).

Conditions:
Hajdu-Cheney syndrome (HJCYS). Also called: ACROOSTEOLYSIS WITH OSTEOPOROSIS AND CHANGES IN SKULL AND MANDIBLE; SERPENTINE FIBULA-POLYCYSTIC KIDNEY SYNDROME; Acroosteolysis dominant type. Identifiers: Orphanet 955, MedGen C0917715, MONDO:0007057, OMIM 102500.

Submission:

Labcorp Genetics (formerly Invitae), Labcorp
Classification: Uncertain significance for Hajdu-Cheney syndrome. Last evaluated: 2024-12-10. Review status: criteria provided, single submitter. Criteria: Invitae Variant Classification Sherloc (09022015). Collection method: clinical testing. Allele origin: germline.
Comment: This sequence change replaces glutamic acid, which is acidic and polar, with glutamine, which is neutral and polar, at codon 1084 of the NOTCH2 protein (p.Glu1084Gln). This variant is not present in population databases (gnomAD no frequency). This variant has not been reported in the literature in individuals affected with NOTCH2-related conditions. Invitae Evidence Modeling of protein sequence and biophysical properties (such as structural, functional, and spatial information, amino acid conservation, physicochemical variation, residue mobility, and thermodynamic stability) indicates that this missense variant is not expected to disrupt NOTCH2 protein function with a negative predictive value of 80%. In summary, the available evidence is currently insufficient to determine the role of this variant in disease. Therefore, it has been classified as a Variant of Uncertain Significance.